The following is an entry in ClinVar:

NM_001365536.1(SCN9A):c.2744A>C (p.His915Pro)

Genes: SCN1A-AS1 (SCN1A and SCN9A antisense RNA 1; plus strand), SCN9A (sodium voltage-gated channel alpha subunit 9; minus strand). Cytogenetic location: 2q24.3.
Variant type: single nucleotide variant.
Coding change: c.2744A>C on transcript NM_001365536.1 (MANE Select); coding-DNA position 2744, A replaced by C.
Protein change: p.His915Pro; replaces histidine 915 with proline.
Molecular consequence: missense variant. On other transcripts: non-coding transcript variant (1).
Genome position (GRCh38, 1-based): chr2:166,277,113, T>G on the plus strand (A>C on the coding strand, the complement: SCN9A is on the minus strand). VCF-style: chr2-166277113-T-G. GRCh37 (hg19) VCF-style: chr2-167133623-T-G.
Other names: c.2711A>C, p.His904Pro (NM_002977.4); short protein forms H904P, H915P.
Identifiers: ClinVar variation 4852849 (VCV004852849.1).

ClinVar aggregate classification (germline): Uncertain significance (1 of 4 stars; one submission).

Conditions:
Channelopathy-associated congenital insensitivity to pain, autosomal recessive. Also called: ASYMBOLIA FOR PAIN; CONGENITAL ANALGESIA, AUTOSOMAL RECESSIVE; Insensitivity to pain, channelopathy-associated. Identifiers: Orphanet 88642, Orphanet 970, MedGen C1855739, MONDO:0009459, OMIM 243000.

Submission:

Medical Molecular Genetics, National Research Centre
Classification: Uncertain significance for Channelopathy-associated congenital insensitivity to pain, autosomal recessive. Last evaluated: 2026-04-28. Review status: criteria provided, single submitter. Criteria: ACMG Guidelines, 2015. Collection method: research. Allele origin: inherited. Affected: yes.
Comment: The p.(His915Pro) variant results in the substitution of histidine by proline at codon 915 of the SCN9A protein. This amino acid change may affect protein conformation and channel activity.